The following is an entry in ClinVar:

ClinVar aggregate classification (germline): Benign/Likely benign. Review status: criteria provided, multiple submitters, no conflicts (2 of 4 stars). 6 submissions from 6 submitters: Benign (3); Likely benign (2). 1 of the submissions does not count toward it. Last evaluated 2026-02-01.

Conditions:
MRTFA-related disorder. Also called: MRTFA-related condition.

Allele frequency attached by ClinVar (database versions not stated): gnomAD 0.00386 and 0.00361; ESP Exome Variant Server 0.00424; ExAC 0.00434; gnomAD exomes 0.00582 and 0.00361; 1000 Genomes Project 0.00060; 1000 Genomes Project 30x 0.00062; TOPMed 0.00330.
gnomAD v4.1: 8,391 of 1,528,372 alleles (0.55%); highest among the groups gnomAD compares: Non-Finnish European, 0.7%; 32 homozygotes.

Submissions (6):

Labcorp Genetics (formerly Invitae), Labcorp
Classification: Benign. Last evaluated: 2026-02-01. Review status: criteria provided, single submitter. Criteria: Invitae Variant Classification Sherloc (09022015). Collection method: clinical testing. Allele origin: germline.

Blueprint Genetics
Classification: Likely benign. Last evaluated: 2024-11-26. Review status: criteria provided, single submitter. Criteria: ACMG Guidelines, 2015. Collection method: clinical testing. Allele origin: germline.

CeGaT Center for Human Genetics Tuebingen
Classification: Likely benign. Last evaluated: 2022-12-01. Review status: criteria provided, single submitter. Criteria: CeGaT Center For Human Genetics Tuebingen Variant Classification Criteria Version 2. Collection method: clinical testing. Allele origin: germline. Affected: yes. Observed: 1 variant allele.
Comment: MRTFA: BP4, BP7, BS2

Genetic Services Laboratory, University of Chicago
Classification: Benign. Last evaluated: 2021-02-26. Review status: criteria provided, single submitter. Criteria: ACMG Guidelines, 2015. Collection method: clinical testing. Allele origin: germline. Affected: no.

Breakthrough Genomics
Classification: Benign. Review status: criteria provided, single submitter. Criteria: ACMG Guidelines, 2015. Collection method: not provided. Allele origin: germline. Inheritance: Autosomal recessive inheritance. Affected: yes.

PreventionGenetics, part of Exact Sciences
Classification: Likely benign for MRTFA-related condition. Last evaluated: 2020-02-20. Review status: no assertion criteria provided. Collection method: clinical testing. Allele origin: germline. Not counted in ClinVar's aggregate classification.
Comment: This variant is classified as likely benign based on ACMG/AMP sequence variant interpretation guidelines (Richards et al. 2015 PMID: 25741868, with internal and published modifications).

NM_020831.6(MRTFA):c.2691C>T (p.Leu897=)

Gene: MRTFA (myocardin related transcription factor A; minus strand). Cytogenetic location: 22q13.1.
Variant type: single nucleotide variant.
Coding change: c.2691C>T on transcript NM_020831.6 (MANE Select); coding-DNA position 2691, C replaced by T.
Protein change: p.Leu897=; no amino-acid change (leucine 897 retained).
Molecular consequence: synonymous variant. On other transcripts: 3 prime UTR variant (1).
Genome position (GRCh38, 1-based): chr22:40,411,795, G>A on the plus strand (C>T on the coding strand, the complement: MRTFA is on the minus strand). VCF-style: chr22-40411795-G-A. GRCh37 (hg19) VCF-style: chr22-40807799-G-A.
Other names: c.2391C>T, p.Leu797= (NM_001282660.2); c.2541C>T, p.Leu847= (NM_001282661.3); c.*4C>T (NM_001282662.3); c.2496C>T, p.Leu832= (NM_001318139.2).
Identifiers: ClinVar variation 773374 (VCV000773374.39), dbSNP rs41276311, ClinGen allele CA10249235.